The following is an entry in ClinVar:

NM_001376.5(DYNC1H1):c.752G>A (p.Arg251His)

Gene: DYNC1H1 (dynein cytoplasmic 1 heavy chain 1; plus strand). Cytogenetic location: 14q32.31.
Variant type: single nucleotide variant.
Coding change: c.752G>A on transcript NM_001376.5 (MANE Select); coding-DNA position 752, G replaced by A.
Protein change: p.Arg251His; replaces arginine 251 with histidine.
Molecular consequence: missense variant.
Genome position (GRCh38, 1-based): chr14:101,979,952, G>A. VCF-style: chr14-101979952-G-A. GRCh37 (hg19) VCF-style: chr14-102446289-G-A.
Other names: short protein forms R251H.
Identifiers: ClinVar variation 197195 (VCV000197195.51), dbSNP rs794727634, ClinGen allele CA245192.

ClinVar aggregate classification (germline): Conflicting classifications of pathogenicity. Review status: criteria provided, conflicting classifications (1 of 4 stars). 13 submissions from 13 submitters: Pathogenic (7); Likely pathogenic (5); Uncertain significance (1). Last evaluated 2025-08-22.

Conditions:
Inborn genetic diseases. Identifiers: MedGen C0950123, MeSH D030342.
DYNC1H1-related disorder. Also called: DYNC1H1-related condition; DYNC1H1-related disorders. Identifiers: MedGen CN381529.
Charcot-Marie-Tooth disease. Also called: Charcot-Marie-Tooth Neuropathy; Charcot-Marie-Tooth Hereditary Neuropathy. Identifiers: Orphanet 166, MedGen C0007959, MONDO:0015626.
Multiple congenital anomalies/dysmorphic syndrome-intellectual disability. Identifiers: Orphanet 102283, MedGen C5680372, MONDO:0015159.
Autosomal dominant childhood-onset proximal spinal muscular atrophy without contractures. Also called: KUGELBERG-WELANDER SYNDROME, AUTOSOMAL DOMINANT; SPINAL MUSCULAR ATROPHY, JUVENILE, PROXIMAL, AUTOSOMAL DOMINANT; Spinal muscular atrophy, lower extremity-predominant 1, AD; SPINAL MUSCULAR ATROPHY, CHILDHOOD, PROXIMAL, AUTOSOMAL DOMINANT. Identifiers: Orphanet 209341, Orphanet 363447, MedGen C5780022, MONDO:0008026, OMIM 158600.
Charcot-Marie-Tooth disease axonal type 2O. Also called: Charcot-Marie-Tooth disease, axonal, type 20; Charcot-Marie-Tooth Neuropathy Type 2O; CHARCOT-MARIE-TOOTH NEUROPATHY, AXONAL, TYPE 2O; CHARCOT-MARIE-TOOTH DISEASE, AXONAL, AUTOSOMAL DOMINANT, TYPE 2O. Identifiers: Orphanet 284232, MedGen C3280220, MONDO:0013644, OMIM 614228.
Peripheral neuropathy. Also called: Neuropathy. Identifiers: MedGen C0031117, MONDO:0005244, HP:0009830.

Allele frequency attached by ClinVar (database versions not stated): gnomAD exomes below 0.00001.
gnomAD v4.1: 1 of 1,614,202 alleles (0.000062%); highest among the groups gnomAD compares: Non-Finnish European, 0.000085%; no homozygotes.

Submissions (13):

GeneDx
Classification: Pathogenic. Last evaluated: 2025-08-22. Review status: criteria provided, single submitter. Criteria: GeneDx Variant Classification Process June 2021. Collection method: clinical testing. Allele origin: germline. Affected: yes.
Comment: Not observed at significant frequency in large population cohorts (gnomAD); In silico analysis supports that this missense variant has a deleterious effect on protein structure/function; This variant is associated with the following publications: (PMID: 30122514, 26392352, 25512093, 25609763, 26100331, 33726816, 37273706, 34374989, 38374194)

Centre of Medical Genetics, University Hospital Muenster
Classification: Likely pathogenic. Last evaluated: 2025-08-19. Review status: criteria provided, single submitter. Criteria: ACMG Guidelines, 2015. Collection method: clinical testing. Allele origin: unknown. Affected: yes. Observed: 1 variant allele, 1 heterozygote.
Comment: ACMG categories: PM2_sup,PM5_strong,PP2,PP3

Labcorp Genetics (formerly Invitae), Labcorp
Classification: Pathogenic for Charcot-Marie-Tooth disease axonal type 2O. Last evaluated: 2025-06-01. Review status: criteria provided, single submitter. Criteria: Invitae Variant Classification Sherloc (09022015). Collection method: clinical testing. Allele origin: germline.
Comment: This sequence change replaces arginine, which is basic and polar, with histidine, which is basic and polar, at codon 251 of the DYNC1H1 protein (p.Arg251His). This variant is not present in population databases (gnomAD no frequency). This missense change has been observed in individuals with autosomal dominant hereditary motor neuropathy (PMID: 26392352; internal data). It has also been observed to segregate with disease in related individuals. ClinVar contains an entry for this variant (Variation ID: 197195). Invitae Evidence Modeling of protein sequence and biophysical properties (such as structural, functional, and spatial information, amino acid conservation, physicochemical variation, residue mobility, and thermodynamic stability) indicates that this missense variant is expected to disrupt DYNC1H1 protein function with a positive predictive value of 95%. This variant disrupts the p.Arg251 amino acid residue in DYNC1H1. Other variant(s) that disrupt this residue have been determined to be pathogenic (PMID: 30122514). This suggests that this residue is clinically significant, and that variants that disrupt this residue are likely to be disease-causing. For these reasons, this variant has been classified as Pathogenic.

Dubai Health Genomic Medicine Center, Dubai Health
Classification: Likely pathogenic for Charcot-Marie-Tooth disease. Last evaluated: 2024-10-04. Review status: criteria provided, single submitter. Criteria: ACMG Guidelines, 2015. Collection method: research. Allele origin: germline. Affected: yes.
Comment: PP1_Moderate,PM2,PS4,PP3,PM5

Ambry Genetics
Classification: Pathogenic for Inborn genetic diseases. Last evaluated: 2024-09-20. Review status: criteria provided, single submitter. Criteria: Ambry Variant Classification Scheme 2023. Collection method: clinical testing. Allele origin: germline.
Comment: The c.752G>A (p.R251H) alteration is located in exon 4 (coding exon 4) of the DYNC1H1 gene. This alteration results from a G to A substitution at nucleotide position 752, causing the arginine (R) at amino acid position 251 to be replaced by a histidine (H). This variant was not reported in population-based cohorts in the Genome Aggregation Database (gnomAD). This variant has been determined to be the result of a de novo mutation in multiple individuals with features consistent with DYNC1H1-related neurologic disorders (Abolhassani, 2024; Dabhade, 2023). This variant was identified in one or more individuals with features consistent with DYNC1H1-related neurologic disorders (Antoniadi, 2015; Saleh, 2021; Ek, 2023; Fern&aacute;ndez-Eulate, 2023; Ambry internal data; external communication) and segregated with disease in at least one family (external communication). This amino acid position is highly conserved in available vertebrate species. This missense alteration is located in a region that has a low rate of benign missense variation (Lek, 2016; Firth, 2009). The in silico prediction for this alteration is inconclusive. Based on the available evidence, this alteration is classified as pathogenic.

Greenwood Genetic Center Diagnostic Laboratories, Greenwood Genetic Center
Classification: Pathogenic for Charcot-Marie-Tooth disease axonal type 2O. Last evaluated: 2023-02-10. Review status: criteria provided, single submitter. Criteria: ACMG Guidelines, 2015. Collection method: clinical testing. Allele origin: germline. Affected: yes.
Comment: PS2, PS4_Moderate, PM2, PP2, PP3

Laboratorio de Genetica e Diagnostico Molecular, Hospital Israelita Albert Einstein
Classification: Likely pathogenic for Charcot-Marie-Tooth disease axonal type 2O. Last evaluated: 2022-09-02. Review status: criteria provided, single submitter. Criteria: ACMG Guidelines, 2015. Collection method: clinical testing. Allele origin: germline. Affected: yes. Observed: 1 variant allele.
Comment: ACMG classification criteria: PS4 strong, PM2 moderated, PM5 moderated, PP2 supporting

AURAGEN, Plan France Médecine Génomique
Classification: Pathogenic for Multiple congenital anomalies/dysmorphic syndrome-intellectual disability. Last evaluated: 2022-05-11. Review status: criteria provided, single submitter. Criteria: PFMG2025 (Lancet Reg Health Eur. 2025). Collection method: clinical testing. Allele origin: germline. Affected: yes.

Mendelics
Classification: Likely pathogenic for Autosomal dominant childhood-onset proximal spinal muscular atrophy without contractures. Last evaluated: 2022-05-04. Review status: criteria provided, single submitter. Criteria: Mendelics Assertion Criteria 2019. Collection method: clinical testing. Allele origin: germline.

CHU Sainte-Justine Research Center, University of Montreal
Classification: Pathogenic for Autosomal dominant childhood-onset proximal spinal muscular atrophy without contractures. Last evaluated: 2022-03-24. Review status: criteria provided, single submitter. Criteria: ACMG Guidelines, 2015. Collection method: clinical testing. Allele origin: de novo. Affected: yes.

Kariminejad - Najmabadi Pathology & Genetics Center
Classification: Pathogenic for Peripheral neuropathy. Last evaluated: 2021-07-10. Review status: criteria provided, single submitter. Criteria: ACMG Guidelines, 2015. Collection method: clinical testing. Allele origin: de novo. Affected: yes.

Blueprint Genetics
Classification: Likely pathogenic for DYNC1H1-related disorders. Last evaluated: 2018-09-03. Review status: criteria provided, single submitter. Criteria: ACMG Guidelines, 2015. Collection method: clinical testing. Allele origin: germline. Affected: yes. Observed: 2 variant alleles.

Eurofins Ntd Llc (ga)
Classification: Uncertain significance. Last evaluated: 2014-11-23. Review status: criteria provided, single submitter. Criteria: EGL Classification Definitions 2015. Collection method: clinical testing. Allele origin: germline. Observed: 2 variant alleles, 2 heterozygotes.

Literature cited by the submitters: PubMed 26392352 (cited by Labcorp Genetics (formerly Invitae), Labcorp and Ambry Genetics); PubMed 30122514 (cited by Labcorp Genetics (formerly Invitae), Labcorp); PubMed 10862709 (cited by Ambry Genetics); PubMed 34374989 (cited by Ambry Genetics); PubMed 37273706 (cited by Ambry Genetics); PubMed 37470033 (cited by Ambry Genetics); PubMed 38374194 (cited by Ambry Genetics).